The following is an entry in ClinVar:

NM_198576.4(AGRN):c.4414G>T (p.Gly1472Cys)

Gene: AGRN (agrin; plus strand). Cytogenetic location: 1p36.33.
Variant type: single nucleotide variant.
Coding change: c.4414G>T on transcript NM_198576.4 (MANE Select); coding-DNA position 4414, G replaced by T.
Protein change: p.Gly1472Cys; replaces glycine 1472 with cysteine.
Molecular consequence: missense variant.
Genome position (GRCh38, 1-based): chr1:1,049,351, G>T. VCF-style: chr1-1049351-G-T. GRCh37 (hg19) VCF-style: chr1-984731-G-T.
Other names: c.4414G>T, p.Gly1472Cys (NM_001305275.2); c.4099G>T, p.Gly1367Cys (NM_001364727.2); short protein forms G1472C, G1367C.
Identifiers: ClinVar variation 1997824 (VCV001997824.4), dbSNP rs1645204336, ClinGen allele CA337777287.

ClinVar aggregate classification (germline): Uncertain significance (1 of 4 stars; one submission).

Conditions:
Congenital myasthenic syndrome 8. Also called: Myasthenic syndrome, congenital, 8, with pre- and postsynaptic defects; MYASTHENIC SYNDROME, CONGENITAL, DUE TO AGRIN DEFICIENCY. Identifiers: Orphanet 590, MedGen C3808739, MONDO:0014052, OMIM 615120.

Submission:

Labcorp Genetics (formerly Invitae), Labcorp
Classification: Uncertain significance for Congenital myasthenic syndrome 8. Last evaluated: 2022-05-22. Review status: criteria provided, single submitter. Criteria: Invitae Variant Classification Sherloc (09022015). Collection method: clinical testing. Allele origin: germline.
Comment: In summary, the available evidence is currently insufficient to determine the role of this variant in disease. Therefore, it has been classified as a Variant of Uncertain Significance. Algorithms developed to predict the effect of missense changes on protein structure and function are either unavailable or do not agree on the potential impact of this missense change (SIFT: "Deleterious"; PolyPhen-2: "Benign"; Align-GVGD: "Class C0"). This variant is not present in population databases (gnomAD no frequency). This variant has not been reported in the literature in individuals affected with AGRN-related conditions. This sequence change replaces glycine, which is neutral and non-polar, with cysteine, which is neutral and slightly polar, at codon 1472 of the AGRN protein (p.Gly1472Cys).